The following is an entry in ClinVar:

ClinVar aggregate classification (germline): Uncertain significance. Review status: criteria provided, multiple submitters, no conflicts (2 of 4 stars). 2 submissions from 2 submitters: Uncertain significance (2). Last evaluated 2025-01-19.

Conditions:
PRPH2-related disorder. Also called: PRPH2-related disorders; PRPH2-related condition. Identifiers: MedGen CN239395.
Inborn genetic diseases. Identifiers: MedGen C0950123, MeSH D030342.

Allele frequency attached by ClinVar (database versions not stated): ExAC 0.00001; TOPMed 0.00002; gnomAD 0.00001; gnomAD exomes 0.00001.
gnomAD v4.1: 22 of 1,614,052 alleles (0.0014%); highest among the groups gnomAD compares: Admixed American, 0.0017%; no homozygotes.

Submissions (2):

Ambry Genetics
Classification: Uncertain significance for Inborn genetic diseases. Last evaluated: 2025-01-19. Review status: criteria provided, single submitter. Criteria: Ambry Variant Classification Scheme 2023. Collection method: clinical testing. Allele origin: germline.

Labcorp Genetics (formerly Invitae), Labcorp
Classification: Uncertain significance for PRPH2-related disorder. Last evaluated: 2024-01-05. Review status: criteria provided, single submitter. Criteria: Invitae Variant Classification Sherloc (09022015). Collection method: clinical testing. Allele origin: germline.
Comment: This sequence change replaces isoleucine, which is neutral and non-polar, with threonine, which is neutral and polar, at codon 33 of the PRPH2 protein (p.Ile33Thr). This variant is present in population databases (rs767850825, gnomAD 0.003%). This variant has not been reported in the literature in individuals affected with PRPH2-related conditions. ClinVar contains an entry for this variant (Variation ID: 1044375). Advanced modeling of protein sequence and biophysical properties (such as structural, functional, and spatial information, amino acid conservation, physicochemical variation, residue mobility, and thermodynamic stability) performed at Invitae indicates that this missense variant is not expected to disrupt PRPH2 protein function with a negative predictive value of 95%. In summary, the available evidence is currently insufficient to determine the role of this variant in disease. Therefore, it has been classified as a Variant of Uncertain Significance.

NM_000322.5(PRPH2):c.98T>C (p.Ile33Thr)

Gene: PRPH2 (peripherin 2; minus strand). Cytogenetic location: 6p21.1.
Variant type: single nucleotide variant.
Coding change: c.98T>C on transcript NM_000322.5 (MANE Select); coding-DNA position 98, T replaced by C.
Protein change: p.Ile33Thr; replaces isoleucine 33 with threonine.
Molecular consequence: missense variant.
Genome position (GRCh38, 1-based): chr6:42,722,237, A>G on the plus strand (T>C on the coding strand, the complement: PRPH2 is on the minus strand). VCF-style: chr6-42722237-A-G. GRCh37 (hg19) VCF-style: chr6-42689975-A-G.
Other names: c.98T>C (NM_000322.4); short protein forms I33T.
Identifiers: ClinVar variation 1044375 (VCV001044375.9), dbSNP rs767850825, ClinGen allele CA3808665.